The following is an entry in ClinVar:

ClinVar aggregate classification (germline): Likely benign. Review status: criteria provided, multiple submitters, no conflicts (2 of 4 stars). 2 submissions from 2 submitters: Likely benign (2). Last evaluated 2025-08-22.

Conditions:
Ehlers-Danlos syndrome, classic type, 1 (EDSCL1). Also called: EHLERS-DANLOS SYNDROME, GRAVIS TYPE; EHLERS-DANLOS SYNDROME, SEVERE CLASSIC TYPE; EDS I; Ehlers-Danlos Syndrome, Classic Type, COL5A1-Related; Ehlers-Danlos syndrome, type 1. Identifiers: MedGen C0268335, MONDO:0019567, OMIM 130000.

Allele frequency attached by ClinVar (database versions not stated): gnomAD 0.00004; TOPMed 0.00003.
gnomAD v4.1: 10 of 1,611,474 alleles (0.00062%); highest among the groups gnomAD compares: South Asian, 0.0011%; no homozygotes.

Submissions (2):

Labcorp Genetics (formerly Invitae), Labcorp
Classification: Likely benign for Ehlers-Danlos syndrome, classic type, 1. Last evaluated: 2025-08-22. Review status: criteria provided, single submitter. Criteria: Invitae Variant Classification Sherloc (09022015). Collection method: clinical testing. Allele origin: germline.

GeneDx
Classification: Likely benign. Last evaluated: 2017-04-19. Review status: criteria provided, single submitter. Criteria: GeneDx Variant Classification (06012015). Collection method: clinical testing. Allele origin: germline. Affected: yes.
Comment: This variant is considered likely benign or benign based on one or more of the following criteria: it is a conservative change, it occurs at a poorly conserved position in the protein, it is predicted to be benign by multiple in silico algorithms, and/or has population frequency not consistent with disease.

NM_000393.5(COL5A2):c.744+18A>G

Gene: COL5A2 (collagen type V alpha 2 chain; minus strand). Cytogenetic location: 2q32.2.
Variant type: single nucleotide variant.
Coding change: c.744+18A>G on transcript NM_000393.5 (MANE Select); 18 bases into the intron after coding-DNA position 744, A replaced by G.
Molecular consequence: intron variant.
Genome position (GRCh38, 1-based): chr2:189,085,701, T>C on the plus strand (A>G on the coding strand, the complement: COL5A2 is on the minus strand). VCF-style: chr2-189085701-T-C. GRCh37 (hg19) VCF-style: chr2-189950427-T-C.
Identifiers: ClinVar variation 509039 (VCV000509039.4), dbSNP rs373820975, ClinGen allele CA538444518.